The following is an entry in ClinVar:

ClinVar aggregate classification (germline): Uncertain significance. Review status: criteria provided, multiple submitters, no conflicts (2 of 4 stars). 13 submissions from 13 submitters: Uncertain significance (12). 1 of the submissions does not count toward it. Last evaluated 2026-01-17.

Conditions:
Fanconi anemia complementation group J. Also called: BRIP1-Related Fanconi Anemia. Identifiers: Orphanet 84, MedGen C1836860, MONDO:0012187, OMIM 609054.
Ovarian cancer. Also called: OVARIAN CANCER, SOMATIC. Identifiers: Orphanet 213500, MedGen C1140680, MONDO:0008170, OMIM 167000.
Familial ovarian cancer. Identifiers: MedGen C5679802, MONDO:0016248.
Hereditary cancer-predisposing syndrome. Also called: Tumor predisposition; Hereditary Cancer Syndrome; Neoplastic Syndromes, Hereditary; Hereditary neoplastic syndrome. Identifiers: Orphanet 140162, MedGen C0027672, MeSH D009386, MONDO:0015356.
Familial cancer of breast. Also called: BREAST CANCER, FAMILIAL; Hereditary breast cancer; hereditary breast carcinoma. Identifiers: Orphanet 227535, MedGen C0346153, MONDO:0016419, OMIM 114480. Disease mechanism: loss of function.
Hereditary breast ovarian cancer syndrome. Also called: Hereditary breast and ovarian cancer; Hereditary breast and/or ovarian cancer syndrome; BRCA1- and BRCA2-Associated Hereditary Breast and Ovarian Cancer; Hereditary breast and ovarian cancer syndrome; Hereditary breast and ovarian cancer syndrome (HBOC); Breast and ovarian cancer. Identifiers: Orphanet 145, MedGen C0677776, MeSH D061325, MONDO:0003582. Disease mechanism: loss of function.

Allele frequency attached by ClinVar (database versions not stated): ExAC 0.00003; gnomAD 0.00003; TOPMed 0.00003; gnomAD exomes 0.00005 and 0.00011; ESP Exome Variant Server 0.00008.
gnomAD v4.1: 165 of 1,608,154 alleles (0.01%); highest among the groups gnomAD compares: Non-Finnish European, 0.013%; 1 homozygote.

Submissions (13):

Labcorp Genetics (formerly Invitae), Labcorp
Classification: Uncertain significance for Familial cancer of breast; Fanconi anemia complementation group J. Last evaluated: 2026-01-17. Review status: criteria provided, single submitter. Criteria: Invitae Variant Classification Sherloc (09022015). Collection method: clinical testing. Allele origin: germline.
Comment: This sequence change replaces isoleucine, which is neutral and non-polar, with valine, which is neutral and non-polar, at codon 482 of the BRIP1 protein (p.Ile482Val). This variant is present in population databases (rs142744352, gnomAD 0.01%). This missense change has been observed in individual(s) with Lynch syndrome (PMID: 25980754). ClinVar contains an entry for this variant (Variation ID: 128160). Invitae Evidence Modeling of protein sequence and biophysical properties (such as structural, functional, and spatial information, amino acid conservation, physicochemical variation, residue mobility, and thermodynamic stability) has been performed for this missense variant. However, the output from this modeling did not meet the statistical confidence thresholds required to predict the impact of this variant on BRIP1 protein function. In summary, the available evidence is currently insufficient to determine the role of this variant in disease. Therefore, it has been classified as a Variant of Uncertain Significance.

Color Diagnostics, LLC DBA Color Health
Classification: Uncertain significance for Hereditary cancer-predisposing syndrome. Last evaluated: 2025-11-25. Review status: criteria provided, single submitter. Criteria: ACMG Guidelines, 2015. Collection method: clinical testing. Allele origin: germline.
Comment: This missense variant replaces isoleucine with valine at codon 482 of the BRIP1 protein. Computational predictions are inconclusive regarding the impact of this variant on protein structure and function. To our knowledge, functional studies have not been reported for this variant. This variant has been detected in a breast cancer case-control meta-analysis in 7/60466 cases and absent in 53461 unaffected individuals (PMID: 33471991LOVD DB-ID BRIP1_000554) and in two individuals affected with breast cancer and an individual affected with colorectal cancer (Whitaker 2020, DOI: 10.1200/JCO.2020.38.15). This variant also has been reported in unaffected individuals (PMID: 26921362Whitaker 2020), including in 3 individuals older than age 70 years who have never had cancer (FLOSSIES database). This variant has been identified in 165/1608154 chromosomes in the general population by the Genome Aggregation Database (gnomAD). Although there is a suspicion that this variant may not be associated with disease, additional studies are necessary to determine the role of this variant in disease conclusively. Therefore, this variant is classified as a Variant of Uncertain Significance.

Molecular Pathology, Peter Maccallum Cancer Centre
Classification: Uncertain significance for Familial ovarian cancer. Last evaluated: 2025-04-01. Review status: criteria provided, single submitter. Criteria: ACMG Guidelines, 2015. Collection method: clinical testing. Allele origin: germline. Inheritance: Autosomal dominant inheritance.

Quest Diagnostics Nichols Institute San Juan Capistrano
Classification: Uncertain significance. Last evaluated: 2025-03-31. Review status: criteria provided, single submitter. Criteria: Quest Diagnostics criteria. Collection method: clinical testing. Allele origin: unknown.
Comment: The BRIP1 c.1444A>G (p.Ile482Val) variant has been reported in the published literature in individuals with breast cancer (PMID: 33471991 (2021), see also LOVD), suspected of Lynch Syndrome (PMID: 25980754 (2015)), and suspected of hereditary cancer syndrome (PMID: 34326862 (2021)). This variant has also been reported in an unaffected individual (PMID: 26921362 (2016)). In addition, this variant was reported in compound heterozygosity with a pathogenic BRCA2 variant as well as an APC variant in an individual with breast cancer, well-differentiated liposarcoma, clear cell renal cell carcinoma, and myeloproliferative neoplasia (PMID: 39702187 (2024)). The frequency of this variant in the general population (Genome Aggregation Database) is uninformative in the assessment of its pathogenicity. Analysis of this variant using bioinformatics tools for the prediction of the effect of amino acid changes on protein structure and function yielded conflicting predictions that this variant is benign or damaging. Based on the available information, we are unable to determine the clinical significance of this variant.

Center for Genomic Medicine, Rigshospitalet, Copenhagen University Hospital
Classification: Uncertain significance. Last evaluated: 2025-03-04. Review status: criteria provided, single submitter. Criteria: ACMG Guidelines, 2015. Collection method: clinical testing. Allele origin: germline.

Ambry Genetics
Classification: Uncertain significance for Hereditary cancer-predisposing syndrome. Last evaluated: 2025-01-22. Review status: criteria provided, single submitter. Criteria: Ambry Variant Classification Scheme 2023. Collection method: clinical testing. Allele origin: germline.
Comment: The p.I482V variant (also known as c.1444A>G), located in coding exon 9 of the BRIP1 gene, results from an A to G substitution at nucleotide position 1444. The isoleucine at codon 482 is replaced by valine, an amino acid with highly similar properties. In one study, this variant was identified in a control population (Easton DF et al. J Med Genet, 2016 May;53:298-309). This variant was also identified in a cohort of 3579 African males diagnosed with prostate cancer who underwent multi-gene panel testing of 19 DNA repair and cancer predisposition genes (Matejcic M et al. JCO Precis Oncol, 2020 Jan;4:32-43). This amino acid position is highly conserved in available vertebrate species. In addition, the in silico prediction for this alteration is inconclusive. Based on the available evidence, the clinical significance of this variant remains unclear.

GeneDx
Classification: Uncertain significance. Last evaluated: 2024-11-18. Review status: criteria provided, single submitter. Criteria: GeneDx Variant Classification Process June 2021. Collection method: clinical testing. Allele origin: germline. Affected: yes.
Comment: In silico analysis indicates that this missense variant does not alter protein structure/function; This variant is associated with the following publications: (PMID: 28873162, 26921362, Whitaker2020[abstract], 34326862, 32832836, 25980754)

Women's Health and Genetics/Laboratory Corporation of America, LabCorp
Classification: Uncertain significance. Last evaluated: 2024-11-14. Review status: criteria provided, single submitter. Criteria: LabCorp Variant Classification Summary - May 2015. Collection method: clinical testing. Allele origin: germline.
Comment: Variant summary: BRIP1 c.1444A>G (p.Ile482Val) results in a conservative amino acid change in the encoded protein sequence. Three of five in-silico tools predict a damaging effect of the variant on protein function. The variant allele was found at a frequency of 4.9e-05 in 243548 control chromosomes, predominantly at a frequency of 0.00011 within the East Asian subpopulation in the gnomAD database. The available data on variant occurrences in the general population are insufficient to allow any conclusion about variant significance. c.1444A>G has been reported in the literature in individuals affected with Lynch syndrome-associated cancer and/or polyps and Colorectum cancer, without strong evidence for causality (Yurgelun_2015, Bhai_2021).These report(s) do not provide unequivocal conclusions about association of the variant with Hereditary Breast And Ovarian Cancer Syndrome. To our knowledge, no experimental evidence demonstrating an impact on protein function has been reported. The following publications have been ascertained in the context of this evaluation (PMID: 34326862, 25980754). ClinVar contains an entry for this variant (Variation ID: 128160). Based on the evidence outlined above, the variant was classified as uncertain significance.

Baylor Genetics
Classification: Uncertain significance for Familial cancer of breast. Last evaluated: 2024-03-21. Review status: criteria provided, single submitter. Criteria: ACMG Guidelines, 2015. Collection method: clinical testing. Allele origin: unknown.

Department of Pathology and Laboratory Medicine, Sinai Health System
Classification: Uncertain significance for Hereditary breast ovarian cancer syndrome. Last evaluated: 2023-07-25. Review status: criteria provided, single submitter. Criteria: ACMG Guidelines, 2015. Collection method: clinical testing. Allele origin: germline. Affected: yes.

Myriad Genetics, Inc.
Classification: Uncertain significance for Familial cancer of breast. Last evaluated: 2023-03-02. Review status: criteria provided, single submitter. Criteria: Myriad Autosomal Dominant, Autosomal Recessive and X-Linked Classification Criteria (2023). Collection method: clinical testing. Allele origin: unknown.
Comment: This variant is classified as a variant of uncertain significance as there is insufficient evidence to determine its impact on protein function and/or cancer risk.

Sema4
Classification: Uncertain significance for Hereditary cancer-predisposing syndrome. Last evaluated: 2021-08-20. Review status: criteria provided, single submitter. Criteria: Sema4 Curation Guidelines. Collection method: curation. Allele origin: germline.
Comment: The BRIP1 c.1444A>G (p.I482V) variant has been reported in heterozygosity in at least one individual with Lynch syndrome (PMID: 1092248265), as well as in a control cohort of healthy individuals (PMID: 26921362). This variant was observed in 13/124632 chromosomes in the European (non-Finnish) population, with no homozygotes, according to the Genome Aggregation Database (PMID: 32461654) and has been reported in ClinVar (Variation ID 128160). Functional studies have not been performed, and in silico predictions of the variant's effect on protein function are inconclusive. Based on the current evidence available, this variant is interpreted as a variant of uncertain significance.

Counsyl
Classification: Uncertain significance for Fanconi anemia complementation group J; Ovarian cancer. Last evaluated: 2017-01-03. Review status: no assertion criteria provided. Collection method: clinical testing. Allele origin: unknown. Not counted in ClinVar's aggregate classification.

Literature cited by the submitters: PubMed 25980754 (cited by 5 submitters); PubMed 26921362 (cited by 6 submitters); PubMed 33471991 (cited by Color Diagnostics, LLC DBA Color Health and Quest Diagnostics Nichols Institute San Juan Capistrano); PubMed 39702187 (cited by Quest Diagnostics Nichols Institute San Juan Capistrano); PubMed 34326862 (cited by Quest Diagnostics Nichols Institute San Juan Capistrano and Women's Health and Genetics/Laboratory Corporation of America, LabCorp); PubMed 32832836 (cited by 3 submitters).

NM_032043.3(BRIP1):c.1444A>G (p.Ile482Val)

Gene: BRIP1 (BRCA1 interacting DNA helicase 1; minus strand). Cytogenetic location: 17q23.2.
Variant type: single nucleotide variant.
Coding change: c.1444A>G on transcript NM_032043.3 (MANE Select); coding-DNA position 1444, A replaced by G.
Protein change: p.Ile482Val; replaces isoleucine 482 with valine.
Molecular consequence: missense variant.
Genome position (GRCh38, 1-based): chr17:61,793,626, T>C on the plus strand (A>G on the coding strand, the complement: BRIP1 is on the minus strand). VCF-style: chr17-61793626-T-C. GRCh37 (hg19) VCF-style: chr17-59870987-T-C.
Other names: p.I482V:ATC>GTC; short protein forms I482V.
Identifiers: ClinVar variation 128160 (VCV000128160.43), dbSNP rs142744352, ClinGen allele CA288526.